The following is an entry in ClinVar:

NM_024596.5(MCPH1):c.566dup (p.Asn189fs)

Gene: MCPH1 (microcephalin 1; plus strand). Cytogenetic location: 8p23.1.
Variant type: Duplication.
Coding change: c.566dup on transcript NM_024596.5 (MANE Select); coding-DNA position 566, one base duplicated (A; older notation c.566dupA).
Protein change: p.Asn189fs; shifts the reading frame from asparagine 189.
Molecular consequence: frameshift variant. On other transcripts: non-coding transcript variant (1), intron variant (1).
Genome position (GRCh38, 1-based): chr8:6,439,082, A duplicated; the last of 4 consecutive A bases (chr8:6,439,079-6,439,082); duplicating any one gives the same sequence. VCF-style (leftmost placement, unchanged base first): chr8-6439078-G-GA. GRCh37 (hg19) VCF-style: chr8-6296599-G-GA.
Other names: c.566dupA (NM_024596.3); c.566dup, p.Asn189fs (NM_001172574.2, NM_001322042.2, NM_001363979.1 and 1 more transcripts); c.560dup, p.Asn187fs (NM_001322043.2); c.464dup, p.Asn155fs (NM_001322045.2); c.436+2920dup (NM_001172575.2); short protein forms N187fs, N189fs, N155fs.
Identifiers: ClinVar variation 30639 (VCV000030639.13), dbSNP rs753597039, ClinGen allele CA4610283.
Genomic context (GRCh38, chr8:6,439,078, plus strand): 5'-ATTAATAGTAGGCACCACAGCGCAATGGAGAAGAGATTACAAGAGATGAAGGAGAAAAGG[G>GA]AAAATCTTTCCCCCACCTGTAAGTAATTAGTTTGTAAAATGAAAATTATGCAAATAGCCG-3'

ClinVar aggregate classification (germline): Pathogenic. Review status: criteria provided, multiple submitters, no conflicts (2 of 4 stars). 5 submissions from 5 submitters: Pathogenic (4). 1 of the submissions does not count toward it. Last evaluated 2024-11-27.

Conditions:
Microcephaly 1, primary, autosomal recessive (MCPH1). Also called: PREMATURE CHROMOSOME CONDENSATION SYNDROME; PCC SYNDROME; PREMATURE CHROMOSOME CONDENSATION WITH MICROCEPHALY AND MENTAL RETARDATION. Identifiers: Orphanet 2512, MedGen C1855081, MONDO:0009617, OMIM 251200.

Submissions (5):

GeneDx
Classification: Pathogenic. Last evaluated: 2024-11-27. Review status: criteria provided, single submitter. Criteria: GeneDx Variant Classification Process June 2021. Collection method: clinical testing. Allele origin: germline.
Comment: Frameshift variant predicted to result in protein truncation or nonsense mediated decay in a gene for which loss of function is a known mechanism of disease; Not observed at significant frequency in large population cohorts (gnomAD); This variant is associated with the following publications: (PMID: 25870538, 34313030, 20978018)

Dasa
Classification: Pathogenic. Last evaluated: 2024-09-12. Review status: criteria provided, single submitter. Criteria: DASA Assertion Criteria. Collection method: clinical testing. Allele origin: germline.
Comment: NM_024596.5(MCPH1):c.566dup (p.Asn189Lysfs*15) introduces a premature termination codon predicted to result in loss of normal protein function. Loss-of-function is an established mechanism of disease for this gene. The variant is present at low frequency in population datasets. Based on the available data, this variant is classified as pathogenic.

Labcorp Genetics (formerly Invitae), Labcorp
Classification: Pathogenic. Last evaluated: 2024-03-05. Review status: criteria provided, single submitter. Criteria: Invitae Variant Classification Sherloc (09022015). Collection method: clinical testing. Allele origin: germline.
Comment: This sequence change creates a premature translational stop signal (p.Asn189Lysfs*15) in the MCPH1 gene. It is expected to result in an absent or disrupted protein product. Loss-of-function variants in MCPH1 are known to be pathogenic (PMID: 20978018). This variant is present in population databases (rs753597039, gnomAD 0.003%). This premature translational stop signal has been observed in individual(s) with primary microcephaly (PMID: 20978018). ClinVar contains an entry for this variant (Variation ID: 30639). For these reasons, this variant has been classified as Pathogenic.

Revvity Omics, Revvity
Classification: Pathogenic for Microcephaly 1, primary, autosomal recessive. Last evaluated: 2021-01-29. Review status: criteria provided, single submitter. Criteria: ACMG Guidelines, 2015. Collection method: clinical testing. Allele origin: germline.

OMIM
Classification: Pathogenic for MICROCEPHALY 1, PRIMARY, AUTOSOMAL RECESSIVE. Last evaluated: 2010-12-01. Review status: no assertion criteria provided. Collection method: literature only. Allele origin: germline. Not counted in ClinVar's aggregate classification.

Literature cited by the submitters: PubMed 20978018 (cited by Labcorp Genetics (formerly Invitae), Labcorp and OMIM).